The following is an entry in ClinVar:

ClinVar aggregate classification (germline): Uncertain significance (1 of 4 stars; one submission).

Conditions:
Joubert syndrome. Also called: CEREBELLOPARENCHYMAL DISORDER IV; JOUBERT-BOLTSHAUSER SYNDROME; Familial aplasia of the vermis. Identifiers: Orphanet 475, MedGen C5979921, MONDO:0018772.
Meckel-Gruber syndrome. Also called: DYSENCEPHALIA SPLANCHNOCYSTICA; GRUBER SYNDROME; Dysencephalia splachnocystica. Identifiers: Orphanet 564, MedGen C0265215, MONDO:0018921.

Submission:

Labcorp Genetics (formerly Invitae), Labcorp
Classification: Uncertain significance for Joubert syndrome; Meckel-Gruber syndrome. Last evaluated: 2022-05-04. Review status: criteria provided, single submitter. Criteria: Invitae Variant Classification Sherloc (09022015). Collection method: clinical testing. Allele origin: germline.
Comment: Algorithms developed to predict the effect of missense changes on protein structure and function are either unavailable or do not agree on the potential impact of this missense change (SIFT: "Deleterious"; PolyPhen-2: "Possibly Damaging"; Align-GVGD: "Class C0"). This sequence change replaces arginine, which is basic and polar, with lysine, which is basic and polar, at codon 347 of the RPGRIP1L protein (p.Arg347Lys). This variant is not present in population databases (gnomAD no frequency). This variant has not been reported in the literature in individuals affected with RPGRIP1L-related conditions. In summary, the available evidence is currently insufficient to determine the role of this variant in disease. Therefore, it has been classified as a Variant of Uncertain Significance.

NM_015272.5(RPGRIP1L):c.1040G>A (p.Arg347Lys)

Gene: RPGRIP1L (RPGRIP1 like; minus strand). Cytogenetic location: 16q12.2.
Variant type: single nucleotide variant.
Coding change: c.1040G>A on transcript NM_015272.5 (MANE Select); coding-DNA position 1040, G replaced by A.
Protein change: p.Arg347Lys; replaces arginine 347 with lysine.
Molecular consequence: missense variant.
Genome position (GRCh38, 1-based): chr16:53,671,573, C>T on the plus strand (G>A on the coding strand, the complement: RPGRIP1L is on the minus strand). VCF-style: chr16-53671573-C-T. GRCh37 (hg19) VCF-style: chr16-53705485-C-T.
Other names: c.1040G>A, p.Arg347Lys (NM_001127897.4, NM_001308334.3, NM_001330538.2); short protein forms R347K.
Identifiers: ClinVar variation 2133795 (VCV002133795.4), dbSNP rs2544474862, ClinGen allele CA395922681.
Genomic context (GRCh38, chr16:53,671,573, plus strand): 5'-TCATAAAGTTTATCATAGTTTTCCTTTAAAAGTTCCCGTTCCTTTTCTAAATCATTAATT[C>T]TATCCTGCAGCTAAAATGAAAATAAAATTACATATTAAGTAAATATTATATAAAACCACT-3'
Protein context (NP_056087.2, residues 337-357): SERRIEELQD[Arg347Lys]INDLEKEREL